The following is an entry in ClinVar:

NM_021930.6(RINT1):c.802G>C (p.Glu268Gln)

Gene: RINT1 (RAD50 interactor 1; plus strand). Cytogenetic location: 7q22.3.
Variant type: single nucleotide variant.
Coding change: c.802G>C on transcript NM_021930.6 (MANE Select); coding-DNA position 802, G replaced by C.
Protein change: p.Glu268Gln; replaces glutamic acid 268 with glutamine.
Molecular consequence: missense variant. On other transcripts: 5 prime UTR variant (2), non-coding transcript variant (1), intron variant (1).
Genome position (GRCh38, 1-based): chr7:105,547,296, G>C. VCF-style: chr7-105547296-G-C. GRCh37 (hg19) VCF-style: chr7-105187743-G-C.
Other names: c.568G>C, p.Glu190Gln (NM_001346599.2); c.-218G>C (NM_001346600.2); c.-121G>C (NM_001346601.2); c.-27-2759G>C (NM_001346603.2); short protein forms E268Q, E190Q.
Identifiers: ClinVar variation 4844524 (VCV004844524.1).

ClinVar aggregate classification (germline): Uncertain significance (1 of 4 stars; one submission).

Submission:

Ambry Genetics
Classification: Uncertain significance. Last evaluated: 2026-02-17. Review status: criteria provided, single submitter. Criteria: Ambry Variant Classification Scheme 2023. Collection method: clinical testing. Allele origin: germline.
Comment: The p.E268Q variant (also known as c.802G>C), located in coding exon 6 of the RINT1 gene, results from a G to C substitution at nucleotide position 802. The glutamic acid at codon 268 is replaced by glutamine, an amino acid with highly similar properties. This amino acid position is conserved. In addition, this alteration is predicted to be tolerated by in silico analysis. Based on the available evidence, the clinical significance of this variant remains unclear.